The following is an entry in ClinVar:

ClinVar aggregate classification (germline): Uncertain significance (1 of 4 stars; one submission).

Conditions:
DICER1-related tumor predisposition. Also called: DICER1 syndrome; DICER1-related pleuropulmonary blastoma cancer predisposition syndrome. Identifiers: Orphanet 284343, MedGen C3839822, MONDO:0100216.

Submission:

Labcorp Genetics (formerly Invitae), Labcorp
Classification: Uncertain significance for DICER1-related tumor predisposition. Last evaluated: 2024-05-04. Review status: criteria provided, single submitter. Criteria: Invitae Variant Classification Sherloc (09022015). Collection method: clinical testing. Allele origin: germline.
Comment: This sequence change replaces arginine, which is basic and polar, with glutamine, which is neutral and polar, at codon 1736 of the DICER1 protein (p.Arg1736Gln). This variant is not present in population databases (gnomAD no frequency). This variant has not been reported in the literature in individuals affected with DICER1-related conditions. Advanced modeling of protein sequence and biophysical properties (such as structural, functional, and spatial information, amino acid conservation, physicochemical variation, residue mobility, and thermodynamic stability) performed at Invitae indicates that this missense variant is expected to disrupt DICER1 protein function with a positive predictive value of 80%. In summary, the available evidence is currently insufficient to determine the role of this variant in disease. Therefore, it has been classified as a Variant of Uncertain Significance.

NM_177438.3(DICER1):c.5207G>A (p.Arg1736Gln)

Gene: DICER1 (dicer 1, ribonuclease III; minus strand). Cytogenetic location: 14q32.13.
Variant type: single nucleotide variant.
Coding change: c.5207G>A on transcript NM_177438.3 (MANE Select); coding-DNA position 5207, G replaced by A.
Protein change: p.Arg1736Gln; replaces arginine 1736 with glutamine.
Molecular consequence: missense variant. On other transcripts: non-coding transcript variant (6).
Genome position (GRCh38, 1-based): chr14:95,094,045, C>T on the plus strand (G>A on the coding strand, the complement: DICER1 is on the minus strand). VCF-style: chr14-95094045-C-T. GRCh37 (hg19) VCF-style: chr14-95560382-C-T.
Other names: c.5207G>A, p.Arg1736Gln (NM_001195573.1, NM_001271282.3, NM_001291628.2 and 8 more transcripts); c.4925G>A, p.Arg1642Gln (NM_001395686.1); c.4802G>A, p.Arg1601Gln (NM_001395687.1, NM_001395688.1, NM_001395689.1 and 1 more transcripts); c.4640G>A, p.Arg1547Gln (NM_001395691.1); c.3524G>A, p.Arg1175Gln (NM_001395697.1); short protein forms R1547Q, R1736Q, R1175Q, R1601Q, R1642Q.
Identifiers: ClinVar variation 3652086 (VCV003652086.2).